The following is an entry in ClinVar:

NM_176787.5(PIGN):c.724G>T (p.Val242Leu)

Gene: PIGN (phosphatidylinositol glycan anchor biosynthesis class N; minus strand). Cytogenetic location: 18q21.33.
Variant type: single nucleotide variant.
Coding change: c.724G>T on transcript NM_176787.5 (MANE Select); coding-DNA position 724, G replaced by T.
Protein change: p.Val242Leu; replaces valine 242 with leucine.
Molecular consequence: missense variant.
Genome position (GRCh38, 1-based): chr18:62,147,052, C>A on the plus strand (G>T on the coding strand, the complement: PIGN is on the minus strand). VCF-style: chr18-62147052-C-A. GRCh37 (hg19) VCF-style: chr18-59814285-C-A.
Other names: c.724G>T, p.Val242Leu (NM_012327.6); short protein forms V242L.
Identifiers: ClinVar variation 1041362 (VCV001041362.7), dbSNP rs374310718, ClinGen allele CA402601737.
Genomic context (GRCh38, chr18:62,147,052, plus strand): 5'-CAGAGGTAAAGATAAATGTTGTTTTCCCATCATTTCCATAGAAGTGGTTAAACATAGACA[C>A]GATTTCTTTAACTCCATCATCAACTTTTTTAATATTGTGCTTGTAGTCTCTATTTGTAAA-3'
Protein context (NP_789744.1, residues 232-252): KKVDDGVKEI[Val242Leu]SMFNHFYGND

ClinVar aggregate classification (germline): Uncertain significance (1 of 4 stars; one submission).

Conditions:
Multiple congenital anomalies-hypotonia-seizures syndrome 1 (MCAHS1). Also called: PIGN-CDG; Congenital disorder of glycosylation due to PIGN deficiency; GLYCOSYLPHOSPHATIDYLINOSITOL BIOSYNTHESIS DEFECT 3. Identifiers: Orphanet 280633, MedGen C3279775, MONDO:0013563, OMIM 614080.

Allele frequency attached by ClinVar (database versions not stated): TOPMed 0.00001.
gnomAD v4.1: 2 of 1,609,130 alleles (0.00012%); no homozygotes.

Submission:

Labcorp Genetics (formerly Invitae), Labcorp
Classification: Uncertain significance for Multiple congenital anomalies-hypotonia-seizures syndrome 1. Last evaluated: 2020-02-27. Review status: criteria provided, single submitter. Criteria: Invitae Variant Classification Sherloc (09022015). Collection method: clinical testing. Allele origin: germline.
Comment: In summary, the available evidence is currently insufficient to determine the role of this variant in disease. Therefore, it has been classified as a Variant of Uncertain Significance. Algorithms developed to predict the effect of missense changes on protein structure and function are either unavailable or do not agree on the potential impact of this missense change (SIFT: "Tolerated"; PolyPhen-2: "Possibly Damaging"; Align-GVGD: "Class C0"). This variant has not been reported in the literature in individuals with PIGN-related conditions. This variant is not present in population databases (ExAC no frequency). This sequence change replaces valine with leucine at codon 242 of the PIGN protein (p.Val242Leu). The valine residue is moderately conserved and there is a small physicochemical difference between valine and leucine.